The following is an entry in ClinVar:

NM_172166.4(MSH5):c.2062G>A (p.Ala688Thr)

Genes: MSH5 (mutS homolog 5; plus strand), MSH5-SAPCD1 (MSH5-SAPCD1 readthrough (NMD candidate); plus strand). Cytogenetic location: 6p21.33.
Variant type: single nucleotide variant.
Coding change: c.2062G>A on transcript NM_172166.4 (MANE Select); coding-DNA position 2062, G replaced by A.
Protein change: p.Ala688Thr; replaces alanine 688 with threonine.
Molecular consequence: missense variant. On other transcripts: non-coding transcript variant (1).
Genome position (GRCh38, 1-based): chr6:31,761,496, G>A. VCF-style: chr6-31761496-G-A. GRCh37 (hg19) VCF-style: chr6-31729273-G-A.
Other names: c.2062G>A, p.Ala688Thr (NM_002441.5); c.2116G>A, p.Ala706Thr (NM_025259.6); c.2065G>A, p.Ala689Thr (NM_172165.4); short protein forms A688T, A689T, A706T.
Identifiers: ClinVar variation 4534673 (VCV004534673.6).
Genomic context (GRCh38, chr6:31,761,496, plus strand): 5'-CATGGCTCCGAATGCTAACCTCTGCCCTCTTTGCAGGTGGATGGGCTCGCGCTTCTGGCC[G>A]CTGTGCTCCGACACTGGCTGGCACGTGGACCCACATGCCCCCACATCTTTGTGGCCACCA-3'
Protein context (NP_751898.1, residues 678-698): NTVDGLALLA[Ala688Thr]VLRHWLARGP

ClinVar aggregate classification (germline): Uncertain significance (1 of 4 stars; one submission).

gnomAD v4.1: 14 of 1,613,394 alleles (0.00087%); highest among the groups gnomAD compares: Admixed American, 0.0017%; no homozygotes.

Submission:

CeGaT Center for Human Genetics Tuebingen
Classification: Uncertain significance. Last evaluated: 2025-11-01. Review status: criteria provided, single submitter. Criteria: CeGaT Center For Human Genetics Tuebingen Variant Classification Criteria Version 2. Collection method: clinical testing. Allele origin: germline. Affected: yes. Observed: 1 variant allele.
Comment: MSH5: PM2, PP3